The following is an entry in ClinVar:

NM_003024.3(ITSN1):c.2641G>A (p.Val881Ile)

Gene: ITSN1 (intersectin 1; plus strand). Cytogenetic location: 21q22.11.
Variant type: single nucleotide variant.
Coding change: c.2641G>A on transcript NM_003024.3 (MANE Select); coding-DNA position 2641, G replaced by A.
Protein change: p.Val881Ile; replaces valine 881 with isoleucine.
Molecular consequence: missense variant.
Genome position (GRCh38, 1-based): chr21:33,813,986, G>A. VCF-style: chr21-33813986-G-A. GRCh37 (hg19) VCF-style: chr21-35186290-G-A.
Other names: c.2641G>A, p.Val881Ile (NM_001001132.2, NM_001331008.2); c.2626G>A, p.Val876Ile (NM_001331009.2, NM_001331010.2, NM_001331011.2); c.2515G>A, p.Val839Ile (NM_001331012.2); short protein forms V839I, V876I, V881I.
Identifiers: ClinVar variation 3049075 (VCV003049075.2), dbSNP rs147036952, ClinGen allele CA10011886.

ClinVar aggregate classification (germline): Benign (0 of 4 stars; one submission).

Conditions:
ITSN1-related disorder. Also called: ITSN1-related condition.

Allele frequency attached by ClinVar (database versions not stated): gnomAD exomes 0.00038; ExAC 0.00115; gnomAD 0.00308; TOPMed 0.00370; 1000 Genomes Project 0.00399; 1000 Genomes Project 30x 0.00437; ESP Exome Variant Server 0.00492.
gnomAD v4.1: 1,043 of 1,614,136 alleles (0.065%); highest among the groups gnomAD compares: African/African-American, 1.1%; 4 homozygotes.

Submission:

PreventionGenetics, part of Exact Sciences
Classification: Benign for ITSN1-related condition. Last evaluated: 2019-12-23. Review status: no assertion criteria provided. Collection method: clinical testing. Allele origin: germline.
Comment: This variant is classified as benign based on ACMG/AMP sequence variant interpretation guidelines (Richards et al. 2015 PMID: 25741868, with internal and published modifications).